The following is an entry in ClinVar:

NM_006371.5(CRTAP):c.892T>G (p.Tyr298Asp)

Gene: CRTAP (cartilage associated protein; plus strand). Cytogenetic location: 3p22.3.
Variant type: single nucleotide variant.
Coding change: c.892T>G on transcript NM_006371.5 (MANE Select); coding-DNA position 892, T replaced by G.
Protein change: p.Tyr298Asp; replaces tyrosine 298 with aspartic acid.
Molecular consequence: missense variant. On other transcripts: intron variant (1).
Genome position (GRCh38, 1-based): chr3:33,130,037, T>G. VCF-style: chr3-33130037-T-G. GRCh37 (hg19) VCF-style: chr3-33171529-T-G.
Other names: c.892T>G, p.Tyr298Asp (NM_001393363.1); c.742T>G, p.Tyr248Asp (NM_001393365.1); c.794-2518T>G (NM_001393364.1); short protein forms Y248D, Y298D.
Identifiers: ClinVar variation 3657818 (VCV003657818.2).
Genomic context (GRCh38, chr3:33,130,037, plus strand): 5'-GAAGAGAACCTCACCCCAGTTATAGGAGGCTATCCGGTTGAGAAATTTGTGGCTACCATG[T>G]ATCATTACTTGCAGTTTGCCTATTATAAGTGTAAGTAATCTTCTGTGACATCTTGGGTGA-3'
Protein context (NP_006362.1, residues 288-308): YPVEKFVATM[Tyr298Asp]HYLQFAYYKL

ClinVar aggregate classification (germline): Uncertain significance (1 of 4 stars; one submission).

Conditions:
Osteogenesis imperfecta type 7 (OI7). Also called: OSTEOGENESIS IMPERFECTA, TYPE IIB; Osteogenesis imperfecta type 2B; OI type 2B; Osteogenesis imperfecta, perinatal lethal autosomal recessive; OI type IIB; OI type 7. Identifiers: MedGen C1853162, MONDO:0012536, OMIM 610682.

Submission:

Labcorp Genetics (formerly Invitae), Labcorp
Classification: Uncertain significance for Osteogenesis imperfecta type 7. Last evaluated: 2024-09-10. Review status: criteria provided, single submitter. Criteria: Invitae Variant Classification Sherloc (09022015). Collection method: clinical testing. Allele origin: germline.
Comment: This sequence change replaces tyrosine, which is neutral and polar, with aspartic acid, which is acidic and polar, at codon 298 of the CRTAP protein (p.Tyr298Asp). This variant is not present in population databases (gnomAD no frequency). This variant has not been reported in the literature in individuals affected with CRTAP-related conditions. Invitae Evidence Modeling of protein sequence and biophysical properties (such as structural, functional, and spatial information, amino acid conservation, physicochemical variation, residue mobility, and thermodynamic stability) indicates that this missense variant is expected to disrupt CRTAP protein function with a positive predictive value of 80%. In summary, the available evidence is currently insufficient to determine the role of this variant in disease. Therefore, it has been classified as a Variant of Uncertain Significance.